The following is an entry in ClinVar:

ClinVar aggregate classification (germline): Likely benign (1 of 4 stars; one submission).

Allele frequency attached by ClinVar (database versions not stated): 1000 Genomes Project 0.01038; gnomAD 0.01045 and 0.01057; 1000 Genomes Project 30x 0.01062; TOPMed 0.01101.
gnomAD v4.1: 1,657 of 152,316 alleles (1.1%); highest among the groups gnomAD compares: Middle Eastern, 2%; 15 homozygotes.

Submission:

GeneDx
Classification: Likely benign. Last evaluated: 2018-06-18. Review status: criteria provided, single submitter. Criteria: GeneDx Variant Classification (06012015). Collection method: clinical testing. Allele origin: germline. Affected: yes.
Comment: This variant is considered likely benign or benign based on one or more of the following criteria: it is a conservative change, it occurs at a poorly conserved position in the protein, it is predicted to be benign by multiple in silico algorithms, and/or has population frequency not consistent with disease.

NM_001035.3(RYR2):c.11881-221C>T

Gene: RYR2 (ryanodine receptor 2; plus strand). Cytogenetic location: 1q43.
Variant type: single nucleotide variant.
Coding change: c.11881-221C>T on transcript NM_001035.3 (MANE Select); 221 bases into the intron before coding-DNA position 11881, C replaced by T.
Molecular consequence: intron variant.
Genome position (GRCh38, 1-based): chr1:237,781,344, C>T. VCF-style: chr1-237781344-C-T. GRCh37 (hg19) VCF-style: chr1-237944644-C-T.
Identifiers: ClinVar variation 676681 (VCV000676681.1), dbSNP rs138861416, ClinGen allele CA39825268.